The following is an entry in ClinVar:

ClinVar aggregate classification (germline): Pathogenic. Review status: criteria provided, multiple submitters, no conflicts (2 of 4 stars). 2 submissions from 2 submitters: Pathogenic (2). Last evaluated 2026-09-08.

Conditions:
Fabry disease. Also called: ALPHA-GALACTOSIDASE A DEFICIENCY; CERAMIDE TRIHEXOSIDASE DEFICIENCY; GLA DEFICIENCY; HEREDITARY DYSTOPIC LIPIDOSIS; Angiokeratoma corporis diffusum; Fabry's disease. Identifiers: Orphanet 324, MedGen C0002986, MONDO:0010526, OMIM 301500, HP:0001071. Disease mechanism: loss of function, Fabry disease is due to inactivating mutations in the X-linked GLA gene resulting in deficiency of the enzyme Alpha Galactosidase-A..

Submissions (2):

Genomenon, Inc
Classification: Pathogenic for Fabry disease. Last evaluated: 2026-09-08. Review status: criteria provided, single submitter. Criteria: Genomenon Sequence Variant Interpretation Standards - Updated. Collection method: curation. Allele origin: germline. Affected: yes.
Comment: GLA p.Ile117Ser (c.350T>G) is a missense variant that changes the amino acid at codon 117 from Isoleucine to Serine. This variant has been observed in at least one proband with clinical features consistent with Fabry disease (PMID:28736719;29770213;27657681;35971858). The variant was found to segregate with disease in at least one affected family (PMID:29770213). At least one functional study has demonstrated a substantial alteration in protein function relative to the wild-type (PMID:27657681). It is absent or not present at a significant frequency in gnomAD. In silico models predict that this variant is possibly or probably damaging. In conclusion, we classify GLA p.Ile117Ser (c.350T>G) as a pathogenic variant.

Women's Health and Genetics/Laboratory Corporation of America, LabCorp
Classification: Pathogenic for Fabry disease. Last evaluated: 2020-09-01. Review status: criteria provided, single submitter. Criteria: LabCorp Variant Classification Summary - May 2015. Collection method: clinical testing. Allele origin: germline.
Comment: Variant summary: GLA c.350T>G (p.Ile117Ser) results in a non-conservative amino acid change in the encoded protein sequence. Five of five in-silico tools predict a damaging effect of the variant on protein function. The variant was absent in 183291 control chromosomes. c.350T>G has been reported in the literature in multiple individuals affected with adult/late-onset Fabry Disease (example, Stepien_2017, Germain_2020) and in Fabry patients with predominant renal manifestations (example McCloskey_2018). These data indicate that the variant is very likely to be associated with disease. At least one publication reports experimental evidence evaluating an impact on protein function. The most pronounced variant effect results in <10% of normal alpha Gal-A enzyme activity (Benjamin_2016). No clinical diagnostic laboratories have submitted clinical-significance assessments for this variant to ClinVar after 2014. Based on the evidence outlined above, the variant was classified as pathogenic.

Literature cited by the submitters: PubMed 28736719 (cited by Genomenon, Inc and Women's Health and Genetics/Laboratory Corporation of America, LabCorp); PubMed 29770213 (cited by Genomenon, Inc and Women's Health and Genetics/Laboratory Corporation of America, LabCorp); PubMed 27657681 (cited by Genomenon, Inc and Women's Health and Genetics/Laboratory Corporation of America, LabCorp); PubMed 35971858 (cited by Genomenon, Inc); PubMed 25382311 (cited by Women's Health and Genetics/Laboratory Corporation of America, LabCorp); PubMed 32161151 (cited by Women's Health and Genetics/Laboratory Corporation of America, LabCorp).

NM_000169.3(GLA):c.350T>G (p.Ile117Ser)

Genes: GLA (galactosidase alpha; minus strand), RPL36A-HNRNPH2 (RPL36A-HNRNPH2 readthrough; plus strand). Cytogenetic location: Xq22.1.
Variant type: single nucleotide variant.
Coding change: c.350T>G on transcript NM_000169.3 (MANE Select); coding-DNA position 350, T replaced by G.
Protein change: p.Ile117Ser; replaces isoleucine 117 with serine.
Molecular consequence: missense variant. On other transcripts: non-coding transcript variant (3), intron variant (2).
Genome position (GRCh38, 1-based): chrX:101,403,830, A>C on the plus strand (T>G on the coding strand, the complement: GLA is on the minus strand). VCF-style: chrX-101403830-A-C. GRCh37 (hg19) VCF-style: chrX-100658818-A-C.
Other names: c.473T>G, p.Ile158Ser (NM_001406747.1, NM_001406749.1); c.350T>G, p.Ile117Ser (NM_001406748.1); c.301-8106A>C (NM_001199973.2); c.178-8106A>C (NM_001199974.2); short protein forms I117S, I158S.
Identifiers: ClinVar variation 981060 (VCV000981060.3), dbSNP rs12392549, ClinGen allele CA333095131.